The following is an entry in ClinVar:

NM_024422.6(DSC2):c.2103G>A (p.Leu701=)

Gene: DSC2 (desmocollin 2; minus strand). Cytogenetic location: 18q12.1.
Variant type: single nucleotide variant.
Coding change: c.2103G>A on transcript NM_024422.6 (MANE Select); coding-DNA position 2103, G replaced by A.
Protein change: p.Leu701=; no amino-acid change (leucine 701 retained).
Molecular consequence: synonymous variant.
Genome position (GRCh38, 1-based): chr18:31,071,627, C>T on the plus strand (G>A on the coding strand, the complement: DSC2 is on the minus strand). VCF-style: chr18-31071627-C-T. GRCh37 (hg19) VCF-style: chr18-28651593-C-T.
Other names: c.2103G>A, p.Leu701= (NM_004949.5).
Identifiers: ClinVar variation 468373 (VCV000468373.17), dbSNP rs141726394, ClinGen allele CA034577.

ClinVar aggregate classification (germline): Likely benign. Review status: criteria provided, multiple submitters, no conflicts (2 of 4 stars). 5 submissions from 5 submitters: Likely benign (5). Last evaluated 2026-01-18.

Conditions:
Cardiovascular phenotype. Identifiers: MedGen CN230736.
Arrhythmogenic right ventricular dysplasia 11. Also called: Arrhythmogenic Right Ventricular Dysplasia/Cardiomyopathy11; ARRHYTHMOGENIC RIGHT VENTRICULAR DYSPLASIA, FAMILIAL, 11; Arrhythmogenic right ventricular dysplasia 11 with mild palmoplantar keratoderma and woolly hair. Identifiers: MedGen C1864850, MONDO:0012506, OMIM 610476.
Familial isolated arrhythmogenic right ventricular dysplasia. Identifiers: Orphanet 217656, MedGen C4274968, MONDO:0016342.
Cardiomyopathy (CMYO). Also called: Cardiomyopathies. Identifiers: Orphanet 167848, MedGen C0878544, MONDO:0004994, HP:0001638. Inheritance: Various modes of inheritance.

Allele frequency attached by ClinVar (database versions not stated): ExAC 0.00003; TOPMed 0.00006; gnomAD 0.00005 and 0.00006; gnomAD exomes below 0.00001 and 0.00002; ESP Exome Variant Server 0.00023.
gnomAD v4.1: 13 of 1,613,938 alleles (0.00081%); highest among the groups gnomAD compares: African/African-American, 0.017%; no homozygotes.

Submissions (5):

Labcorp Genetics (formerly Invitae), Labcorp
Classification: Likely benign for Arrhythmogenic right ventricular dysplasia 11. Last evaluated: 2026-01-18. Review status: criteria provided, single submitter. Criteria: Invitae Variant Classification Sherloc (09022015). Collection method: clinical testing. Allele origin: germline.

All of Us Research Program, National Institutes of Health
Classification: Likely benign for Familial isolated arrhythmogenic right ventricular dysplasia. Last evaluated: 2023-12-01. Review status: criteria provided, single submitter. Criteria: ACMG Guidelines, 2015. Collection method: clinical testing. Allele origin: germline. Inheritance: Autosomal dominant inheritance. Observed: 5 variant alleles, 5 heterozygotes.
Comment: This study involves interpretation of variants in research participants for the purpose of population health screening. Participant phenotype was not available at the time of variant classification. Additional details can be found in publication PMID: 35346344, PMCID: PMC8962531

Color Diagnostics, LLC DBA Color Health
Classification: Likely benign for Cardiomyopathy. Last evaluated: 2022-11-06. Review status: criteria provided, single submitter. Criteria: ACMG Guidelines, 2015. Collection method: clinical testing. Allele origin: germline.

Women's Health and Genetics/Laboratory Corporation of America, LabCorp
Classification: Likely benign. Last evaluated: 2022-07-02. Review status: criteria provided, single submitter. Criteria: LabCorp Variant Classification Summary - May 2015. Collection method: clinical testing. Allele origin: germline.

Ambry Genetics
Classification: Likely benign for Cardiovascular phenotype. Last evaluated: 2020-09-28. Review status: criteria provided, single submitter. Criteria: Ambry Variant Classification Scheme 2023. Collection method: clinical testing. Allele origin: germline.